The following is an entry in ClinVar:

NM_001378454.1(ALMS1):c.11408C>G (p.Pro3803Arg)

Gene: ALMS1 (ALMS1 centrosome and basal body associated protein; plus strand). Cytogenetic location: 2p13.1.
Variant type: single nucleotide variant.
Coding change: c.11408C>G on transcript NM_001378454.1 (MANE Select); coding-DNA position 11408, C replaced by G.
Protein change: p.Pro3803Arg; replaces proline 3803 with arginine.
Molecular consequence: missense variant.
Genome position (GRCh38, 1-based): chr2:73,573,285, C>G. VCF-style: chr2-73573285-C-G. GRCh37 (hg19) VCF-style: chr2-73800412-C-G.
Other names: c.11411C>G, p.Pro3804Arg (NM_015120.4); short protein forms P3803R, P3804R.
Identifiers: ClinVar variation 1361079 (VCV001361079.6), dbSNP rs2104108029, ClinGen allele CA347289611.

ClinVar aggregate classification (germline): Uncertain significance (1 of 4 stars; one submission).

Conditions:
Alstrom syndrome (ALMS). Identifiers: Orphanet 64, MedGen C0268425, MONDO:0008763, OMIM 203800.

Submission:

Labcorp Genetics (formerly Invitae), Labcorp
Classification: Uncertain significance for Alstrom syndrome. Last evaluated: 2021-03-10. Review status: criteria provided, single submitter. Criteria: Invitae Variant Classification Sherloc (09022015). Collection method: clinical testing. Allele origin: germline.
Comment: This variant is not present in population databases (ExAC no frequency). This sequence change replaces proline with arginine at codon 3804 of the ALMS1 protein (p.Pro3804Arg). The proline residue is highly conserved and there is a moderate physicochemical difference between proline and arginine. This variant has not been reported in the literature in individuals with ALMS1-related conditions. Experimental studies and prediction algorithms are not available or were not evaluated, and the functional significance of this variant is currently unknown. In summary, the available evidence is currently insufficient to determine the role of this variant in disease. Therefore, it has been classified as a Variant of Uncertain Significance.